The following is an entry in ClinVar:

ClinVar aggregate classification (germline): Conflicting classifications of pathogenicity. Review status: criteria provided, conflicting classifications (1 of 4 stars). 2 submissions from 2 submitters: Uncertain significance (1); Likely benign (1). Last evaluated 2025-06-19.

Allele frequency attached by ClinVar (database versions not stated): gnomAD 0.00001; gnomAD exomes 0.00001; TOPMed 0.00001.
gnomAD v4.1: 10 of 1,603,684 alleles (0.00062%); highest among the groups gnomAD compares: African/African-American, 0.0013%; no homozygotes.

Submissions (2):

Labcorp Genetics (formerly Invitae), Labcorp
Classification: Likely benign. Last evaluated: 2025-06-19. Review status: criteria provided, single submitter. Criteria: Invitae Variant Classification Sherloc (09022015). Collection method: clinical testing. Allele origin: germline.

Women's Health and Genetics/Laboratory Corporation of America, LabCorp
Classification: Uncertain significance. Last evaluated: 2024-08-01. Review status: criteria provided, single submitter. Criteria: LabCorp Variant Classification Summary - May 2015. Collection method: clinical testing. Allele origin: germline.
Comment: Variant summary: CHD8 c.4923C>T (p.Gly1641Gly) alters a non-conserved nucleotide located close to a canonical splice site and therefore could affect mRNA splicing, leading to a significantly altered protein sequence. Consensus agreement among computation tools predict no significant impact on normal splicing. However, these predictions have yet to be confirmed by functional studies. The variant was absent in 229870 control chromosomes (gnomAD). The available data on variant occurrences in the general population are insufficient to allow any conclusion about variant significance. To our knowledge, no occurrence of c.4923C>T in individuals affected with CHD8-Related Disorders and no experimental evidence demonstrating its impact on protein function have been reported. ClinVar contains an entry for this variant (Variation ID: 2038311). Based on the evidence outlined above, the variant was classified as uncertain significance.

NM_001170629.2(CHD8):c.4923C>T (p.Gly1641=)

Gene: CHD8 (chromodomain helicase DNA binding protein 8; minus strand). Cytogenetic location: 14q11.2.
Variant type: single nucleotide variant.
Coding change: c.4923C>T on transcript NM_001170629.2 (MANE Select); coding-DNA position 4923, C replaced by T.
Protein change: p.Gly1641=; no amino-acid change (glycine 1641 retained).
Molecular consequence: synonymous variant.
Genome position (GRCh38, 1-based): chr14:21,397,951, G>A on the plus strand (C>T on the coding strand, the complement: CHD8 is on the minus strand). VCF-style: chr14-21397951-G-A. GRCh37 (hg19) VCF-style: chr14-21866110-G-A.
Other names: c.4086C>T, p.Gly1362= (NM_020920.4).
Identifiers: ClinVar variation 2038311 (VCV002038311.5), dbSNP rs1383426312, ClinGen allele CA485000759.
Genomic context (GRCh38, chr14:21,397,951, plus strand): 5'-GCCAGCCTTTTCTAGGAAACATAAGGCTGGGTCTGCCCTCATGGTATTATATTTCTCATA[G>A]CCTAGAAGAAAAAGGGTCATAGTTGAAGAAAATGAGATTTGTTTTGCCTTTATGCTTACT-3'
Protein context (NP_001164100.1, residues 1631-1651): KSLLIGVFKH[Gly1641=]YEKYNTMRAD